The following is an entry in ClinVar:

NM_005732.4(RAD50):c.1079A>T (p.His360Leu)

Gene: RAD50 (RAD50 double strand break repair protein; plus strand). Cytogenetic location: 5q31.1.
Variant type: single nucleotide variant.
Coding change: c.1079A>T on transcript NM_005732.4 (MANE Select); coding-DNA position 1079, A replaced by T.
Protein change: p.His360Leu; replaces histidine 360 with leucine.
Molecular consequence: missense variant.
Genome position (GRCh38, 1-based): chr5:132,588,714, A>T. VCF-style: chr5-132588714-A-T. GRCh37 (hg19) VCF-style: chr5-131924406-A-T.
Other names: short protein forms H360L.
Identifiers: ClinVar variation 480487 (VCV000480487.15), dbSNP rs876659421, ClinGen allele CA360942129.

ClinVar aggregate classification (germline): Uncertain significance. Review status: criteria provided, multiple submitters, no conflicts (2 of 4 stars). 2 submissions from 2 submitters: Uncertain significance (2). Last evaluated 2024-03-19.

Conditions:
Hereditary cancer-predisposing syndrome. Also called: Hereditary Cancer Syndrome; Neoplastic Syndromes, Hereditary; Tumor predisposition; Hereditary neoplastic syndrome. Identifiers: Orphanet 140162, MedGen C0027672, MeSH D009386, MONDO:0015356.

Submissions (2):

Ambry Genetics
Classification: Uncertain significance for Hereditary cancer-predisposing syndrome. Last evaluated: 2024-03-19. Review status: criteria provided, single submitter. Criteria: Ambry Variant Classification Scheme 2023. Collection method: clinical testing. Allele origin: germline.
Comment: The p.H360L variant (also known as c.1079A>T), located in coding exon 8 of the RAD50 gene, results from an A to T substitution at nucleotide position 1079. The histidine at codon 360 is replaced by leucine, an amino acid with similar properties. This amino acid position is highly conserved in available vertebrate species. In addition, this alteration is predicted to be tolerated by in silico analysis. Since supporting evidence is limited at this time, the clinical significance of this alteration remains unclear.

Labcorp Genetics (formerly Invitae), Labcorp
Classification: Uncertain significance for Hereditary cancer-predisposing syndrome. Last evaluated: 2023-03-07. Review status: criteria provided, single submitter. Criteria: Invitae Variant Classification Sherloc (09022015). Collection method: clinical testing. Allele origin: germline.
Comment: This sequence change replaces histidine, which is basic and polar, with leucine, which is neutral and non-polar, at codon 360 of the RAD50 protein (p.His360Leu). This variant is not present in population databases (gnomAD no frequency). This variant has not been reported in the literature in individuals affected with RAD50-related conditions. ClinVar contains an entry for this variant (Variation ID: 480487). Advanced modeling of protein sequence and biophysical properties (such as structural, functional, and spatial information, amino acid conservation, physicochemical variation, residue mobility, and thermodynamic stability) has been performed at Invitae for this missense variant, however the output from this modeling did not meet the statistical confidence thresholds required to predict the impact of this variant on RAD50 protein function. In summary, the available evidence is currently insufficient to determine the role of this variant in disease. Therefore, it has been classified as a Variant of Uncertain Significance.